The following is an entry in ClinVar:

NM_178138.6(LHX3):c.202C>T (p.Arg68Cys)

Gene: LHX3 (LIM homeobox 3; minus strand). Cytogenetic location: 9q34.3.
Variant type: single nucleotide variant.
Coding change: c.202C>T on transcript NM_178138.6 (MANE Select); coding-DNA position 202, C replaced by T.
Protein change: p.Arg68Cys; replaces arginine 68 with cysteine.
Molecular consequence: missense variant.
Genome position (GRCh38, 1-based): chr9:136,200,631, G>A on the plus strand (C>T on the coding strand, the complement: LHX3 is on the minus strand). VCF-style: chr9-136200631-G-A. GRCh37 (hg19) VCF-style: chr9-139092477-G-A.
Other names: c.169C>T, p.Arg57Cys (NM_001363746.1); c.217C>T, p.Arg73Cys (NM_014564.5); short protein forms R57C, R68C, R73C.
Identifiers: ClinVar variation 4688349 (VCV004688349.1).
Genomic context (GRCh38, chr9:136,200,631, plus strand): 5'-TCGGGGCTCACTTGAAAAAGTCGTCCTTGCAGTAAACGCTCTCCCCTCGGCTGAAGCAGC[G>A]CTCGGCCAGTGGCGTGTGGCAGTCGCTGCACTTGAGACACTTGCTGTGCCAGTGGCGGTC-3'
Protein context (NP_835258.1, residues 58-78): CSDCHTPLAE[Arg68Cys]CFSRGESVYC

ClinVar aggregate classification (germline): Uncertain significance (1 of 4 stars; one submission).

Submission:

Women's Health and Genetics/Laboratory Corporation of America, LabCorp
Classification: Uncertain significance. Last evaluated: 2025-12-12. Review status: criteria provided, single submitter. Criteria: LabCorp Variant Classification Summary - May 2015. Collection method: clinical testing. Allele origin: germline.
Comment: Variant summary: LHX3 c.217C>T (p.Arg73Cys) results in a non-conservative amino acid change in the encoded protein sequence. Algorithms developed to predict the effect of missense changes on protein structure and function all suggest that this variant is likely to be disruptive. The variant allele was found at a frequency of 4.8e-05 in 250526 control chromosomes. This frequency is not significantly higher than estimated for disease-causing variants in LHX3, allowing no conclusion about variant significance. To our knowledge, no occurrence of c.217C>T in individuals affected with LHX3-related conditions and no experimental evidence demonstrating its impact on protein function have been reported. No submitters have cited clinical-significance assessments for this variant to ClinVar. Based on the evidence outlined above, the variant was classified as uncertain significance.